The following is an entry in ClinVar:

ClinVar aggregate classification (germline): Uncertain significance. Review status: criteria provided, multiple submitters, no conflicts (2 of 4 stars). 3 submissions from 3 submitters: Uncertain significance (3). Last evaluated 2024-10-25.

Conditions:
Knobloch syndrome (KNO). Also called: RETINAL DETACHMENT AND OCCIPITAL ENCEPHALOCELE; Myopia retinal detachment encephalocele. Identifiers: Orphanet 1571, MedGen C1849409, MONDO:0800166.
Inborn genetic diseases. Identifiers: MedGen C0950123, MeSH D030342.

Allele frequency attached by ClinVar (database versions not stated): gnomAD 0.00004; gnomAD exomes 0.00004 and 0.00006; ExAC 0.00007; TOPMed 0.00007; 1000 Genomes Project 30x 0.00016.
gnomAD v4.1: 59 of 1,606,814 alleles (0.0037%); highest among the groups gnomAD compares: Middle Eastern, 0.036%; no homozygotes.

Submissions (3):

Labcorp Genetics (formerly Invitae), Labcorp
Classification: Uncertain significance. Last evaluated: 2024-10-25. Review status: criteria provided, single submitter. Criteria: Invitae Variant Classification Sherloc (09022015). Collection method: clinical testing. Allele origin: germline.
Comment: This sequence change replaces glycine, which is neutral and non-polar, with serine, which is neutral and polar, at codon 930 of the COL18A1 protein (p.Gly930Ser). This variant is present in population databases (rs771054336, gnomAD 0.04%). This variant has not been reported in the literature in individuals affected with COL18A1-related conditions. ClinVar contains an entry for this variant (Variation ID: 340257). Experimental studies and prediction algorithms are not available or were not evaluated, and the functional significance of this variant is currently unknown. In summary, the available evidence is currently insufficient to determine the role of this variant in disease. Therefore, it has been classified as a Variant of Uncertain Significance.

Ambry Genetics
Classification: Uncertain significance for Inborn genetic diseases. Last evaluated: 2024-01-16. Review status: criteria provided, single submitter. Criteria: Ambry Variant Classification Scheme 2023. Collection method: clinical testing. Allele origin: germline.

Illumina Laboratory Services, Illumina
Classification: Uncertain significance for Knobloch syndrome 1. Last evaluated: 2018-01-12. Review status: criteria provided, single submitter. Criteria: ICSL Variant Classification Criteria 13 December 2019. Collection method: clinical testing. Allele origin: germline.

NM_001379500.1(COL18A1):c.2788G>A (p.Gly930Ser)

Genes: COL18A1 (collagen type XVIII alpha 1 chain; plus strand), SLC19A1 (solute carrier family 19 member 1; minus strand). Cytogenetic location: 21q22.3.
Variant type: single nucleotide variant.
Coding change: c.2788G>A on transcript NM_001379500.1 (MANE Select); coding-DNA position 2788, G replaced by A.
Protein change: p.Gly930Ser; replaces glycine 930 with serine.
Molecular consequence: missense variant.
Genome position (GRCh38, 1-based): chr21:45,504,476, G>A. VCF-style: chr21-45504476-G-A. GRCh37 (hg19) VCF-style: chr21-46924390-G-A.
Other names: NM_130445.2:c.2788G>A; c.3328G>A, p.Gly1110Ser (NM_030582.4); c.4033G>A, p.Gly1345Ser (NM_130444.3); short protein forms G1110S, G1345S.
Identifiers: ClinVar variation 340257 (VCV000340257.9), dbSNP rs771054336, ClinGen allele CA10067470.